The following is an entry in ClinVar:

NM_001197104.2(KMT2A):c.3626A>G (p.Gln1209Arg)

Gene: KMT2A (lysine methyltransferase 2A; plus strand). Cytogenetic location: 11q23.3.
Variant type: single nucleotide variant.
Coding change: c.3626A>G on transcript NM_001197104.2 (MANE Select); coding-DNA position 3626, A replaced by G.
Protein change: p.Gln1209Arg; replaces glutamine 1209 with arginine.
Molecular consequence: missense variant.
Genome position (GRCh38, 1-based): chr11:118,480,230, A>G. VCF-style: chr11-118480230-A-G. GRCh37 (hg19) VCF-style: chr11-118350945-A-G.
Other names: c.3626A>G, p.Gln1209Arg (NM_005933.4); short protein forms Q1209R.
Identifiers: ClinVar variation 1326692 (VCV001326692.2), dbSNP rs1784245, ClinGen allele CA382826547.

ClinVar aggregate classification (germline): Likely benign (1 of 4 stars; one submission).

Submission:

GeneDx
Classification: Likely benign. Last evaluated: 2021-11-11. Review status: criteria provided, single submitter. Criteria: GeneDx Variant Classification Process June 2021. Collection method: clinical testing. Allele origin: germline. Affected: yes.
Comment: Has not been previously published as pathogenic or benign to our knowledge; Not observed at significant frequency in large population cohorts (Lek et al., 2016); In silico analysis supports that this missense variant does not alter protein structure/function; This variant is associated with the following publications: (PMID: 27535533)